The following is an entry in ClinVar:

NM_003274.5(TRAPPC10):c.570T>G (p.Leu190=)

Gene: TRAPPC10 (trafficking protein particle complex subunit 10; plus strand). Cytogenetic location: 21q22.3.
Variant type: single nucleotide variant.
Coding change: c.570T>G on transcript NM_003274.5 (MANE Select); coding-DNA position 570, T replaced by G.
Protein change: p.Leu190=; no amino-acid change (leucine 190 retained).
Molecular consequence: synonymous variant.
Genome position (GRCh38, 1-based): chr21:44,055,785, T>G. VCF-style: chr21-44055785-T-G. GRCh37 (hg19) VCF-style: chr21-45475666-T-G.
Identifiers: ClinVar variation 4946405 (VCV004946405.2).

ClinVar aggregate classification (germline): Likely benign. Review status: criteria provided, multiple submitters, no conflicts (2 of 4 stars). 2 submissions from 2 submitters: Likely benign (2). Last evaluated 2026-07-01.

gnomAD v4.1: 7 of 1,614,020 alleles (0.00043%); highest among the groups gnomAD compares: Non-Finnish European, 0.00059%; no homozygotes.

Submissions (2):

CeGaT Center for Human Genetics Tuebingen
Classification: Likely benign. Last evaluated: 2026-07-01. Review status: criteria provided, single submitter. Criteria: CeGaT Center For Human Genetics Tuebingen Variant Classification Criteria Version 2. Collection method: clinical testing. Allele origin: germline. Affected: yes. Observed: 1 variant allele.
Comment: TRAPPC10: BP4, BP7

Blueprint Genetics
Classification: Likely benign. Last evaluated: 2024-10-03. Review status: criteria provided, single submitter. Criteria: ACMG Guidelines, 2015. Collection method: clinical testing. Allele origin: germline.